The following is an entry in ClinVar:

NM_005993.5(TBCD):c.191T>C (p.Met64Thr)

Gene: TBCD (tubulin folding cofactor D). Cytogenetic location: 17q25.3.
Variant type: single nucleotide variant.
Coding change: c.191T>C on transcript NM_005993.5 (MANE Select); coding-DNA position 191, T replaced by C.
Protein change: p.Met64Thr; replaces methionine 64 with threonine.
Molecular consequence: missense variant. On other transcripts: initiator codon variant (1), intron variant (1).
Genome position (GRCh38, 1-based): chr17:82,756,171, T>C. VCF-style: chr17-82756171-T-C. GRCh37 (hg19) VCF-style: chr17-80714047-T-C.
Other names: c.191T>C, p.Met64Thr (NM_001411102.1, NM_001437989.1); c.2T>C, p.Met1Thr (NM_001438250.1); c.184+3794T>C (NM_001411101.1); short protein forms M1T, M64T.
Identifiers: ClinVar variation 4536788 (VCV004536788.1).

ClinVar aggregate classification (germline): Uncertain significance (1 of 4 stars; one submission).

gnomAD v4.1: 8 of 1,608,570 alleles (0.0005%); highest among the groups gnomAD compares: Admixed American, 0.012%; no homozygotes.

Submission:

Women's Health and Genetics/Laboratory Corporation of America, LabCorp
Classification: Uncertain significance. Last evaluated: 2025-11-12. Review status: criteria provided, single submitter. Criteria: LabCorp Variant Classification Summary - May 2015. Collection method: clinical testing. Allele origin: germline.
Comment: Variant summary: TBCD c.191T>C (p.Met64Thr) results in a non-conservative amino acid change in the encoded protein sequence. Algorithms developed to predict the effect of missense changes on protein structure and function are either unavailable or do not agree on the potential impact of this missense change. The variant allele was found at a frequency of 2.5e-05 in 241280 control chromosomes. The available data on variant occurrences in the general population are insufficient to allow any conclusion about variant significance. To our knowledge, no occurrence of c.191T>C in individuals affected with TBCD-related conditions and no experimental evidence demonstrating its impact on protein function have been reported. No submitters have cited clinical-significance assessments for this variant to ClinVar. Based on the evidence outlined above, the variant was classified as uncertain significance.